The following is an entry in ClinVar:

ClinVar aggregate classification (germline): Likely pathogenic (1 of 4 stars; one submission).

Conditions:
Lymphoproliferative syndrome 1 (LPFS1). Identifiers: Orphanet 238505, Orphanet 538963, MedGen C3552634, MONDO:0013081, OMIM 613011.

gnomAD v4.1: 1 of 1,613,970 alleles (0.000062%); highest among the groups gnomAD compares: South Asian, 0.0011%; no homozygotes.

Submission:

Laboratorio de Genetica e Diagnostico Molecular, Hospital Israelita Albert Einstein
Classification: Likely pathogenic for Lymphoproliferative syndrome 1. Last evaluated: 2025-08-08. Review status: criteria provided, single submitter. Criteria: ACMG Guidelines, 2015. Collection method: clinical testing. Allele origin: germline. Affected: yes.
Comment: ACMG classification criteria: PVS1 very strong, PM2 supporting

NM_005546.4(ITK):c.1233-1G>A

Gene: ITK (IL2 inducible T cell kinase; plus strand). Cytogenetic location: 5q33.3.
Variant type: single nucleotide variant.
Coding change: c.1233-1G>A on transcript NM_005546.4 (MANE Select); the canonical splice acceptor site of the intron before coding-DNA position 1233, G replaced by A.
Molecular consequence: splice acceptor variant.
Genome position (GRCh38, 1-based): chr5:157,244,261, G>A. VCF-style: chr5-157244261-G-A. GRCh37 (hg19) VCF-style: chr5-156671271-G-A.
Identifiers: ClinVar variation 4846822 (VCV004846822.1).